The following is an entry in ClinVar:

NM_001113491.2(SEPTIN9):c.1625+9C>G

Gene: SEPTIN9 (septin 9; plus strand). Cytogenetic location: 17q25.3.
Variant type: single nucleotide variant.
Coding change: c.1625+9C>G on transcript NM_001113491.2 (MANE Select); 9 bases into the intron after coding-DNA position 1625, C replaced by G.
Molecular consequence: intron variant.
Genome position (GRCh38, 1-based): chr17:77,497,375, C>G. VCF-style: chr17-77497375-C-G. GRCh37 (hg19) VCF-style: chr17-75493457-C-G.
Other names: c.1625+9C>G (NM_001113491.1); c.1568+9C>G (NM_001293695.2); c.1133+9C>G (NM_001113492.2, NM_001113494.1); c.1571+9C>G (NM_006640.5); c.1604+9C>G (NM_001113493.2); c.953+9C>G (NM_001293696.2); c.872+9C>G (NM_001113496.2, NM_001293697.2, NM_001293698.2 and 1 more transcripts).
Identifiers: ClinVar variation 1682675 (VCV001682675.10), dbSNP rs368233110, ClinGen allele CA8793869.

ClinVar aggregate classification (germline): Benign/Likely benign. Review status: criteria provided, multiple submitters, no conflicts (2 of 4 stars). 3 submissions from 3 submitters: Benign (1); Likely benign (1). 1 of the submissions does not count toward it. Last evaluated 2025-09-23.

Conditions:
SEPTIN9-related disorder. Also called: SEPTIN9-related condition.

Allele frequency attached by ClinVar (database versions not stated): gnomAD 0.00001 and 0.00017; TOPMed 0.00003; 1000 Genomes Project 30x 0.00031; 1000 Genomes Project 0.00040; gnomAD exomes 0.00081; ExAC 0.00096.
gnomAD v4.1: 661 of 1,613,388 alleles (0.041%); highest among the groups gnomAD compares: South Asian, 0.69%; 9 homozygotes.

Submissions (3):

Labcorp Genetics (formerly Invitae), Labcorp
Classification: Benign. Last evaluated: 2025-09-23. Review status: criteria provided, single submitter. Criteria: Invitae Variant Classification Sherloc (09022015). Collection method: clinical testing. Allele origin: germline.

Blueprint Genetics
Classification: Likely benign. Last evaluated: 2024-11-18. Review status: criteria provided, single submitter. Criteria: ACMG Guidelines, 2015. Collection method: clinical testing. Allele origin: germline.

PreventionGenetics, part of Exact Sciences
Classification: Benign for SEPTIN9-related condition. Last evaluated: 2019-06-28. Review status: no assertion criteria provided. Collection method: clinical testing. Allele origin: germline. Not counted in ClinVar's aggregate classification.
Comment: This variant is classified as benign based on ACMG/AMP sequence variant interpretation guidelines (Richards et al. 2015 PMID: 25741868, with internal and published modifications).